The following is an entry in ClinVar:

NM_000057.4(BLM):c.1176dup (p.Leu393fs)

Gene: BLM (BLM RecQ like helicase; plus strand). Cytogenetic location: 15q26.1.
Variant type: Duplication.
Coding change: c.1176dup on transcript NM_000057.4 (MANE Select); coding-DNA position 1176, one base duplicated (A; older notation c.1176dupA).
Protein change: p.Leu393fs; shifts the reading frame from leucine 393.
Molecular consequence: frameshift variant.
Genome position (GRCh38, 1-based): chr15:90,760,235, A duplicated; the last of 3 consecutive A bases (chr15:90,760,233-90,760,235); duplicating any one gives the same sequence. VCF-style (leftmost placement, unchanged base first): chr15-90760232-G-GA. GRCh37 (hg19) VCF-style: chr15-91303462-G-GA.
Other names: c.1176dup, p.Leu393fs (NM_001287246.2, NM_001287247.2); c.51dup, p.Leu18fs (NM_001287248.2); c.1176dupA (NM_000057.2); short protein forms L18fs, L393fs.
Identifiers: ClinVar variation 1069515 (VCV001069515.10), dbSNP rs1358266880, ClinGen allele CA619578354.

ClinVar aggregate classification (germline): Pathogenic. Review status: criteria provided, multiple submitters, no conflicts (2 of 4 stars). 2 submissions from 2 submitters: Pathogenic (2). Last evaluated 2025-09-16.

Conditions:
Hereditary cancer-predisposing syndrome. Also called: Hereditary neoplastic syndrome; Tumor predisposition; Hereditary Cancer Syndrome; Neoplastic Syndromes, Hereditary. Identifiers: Orphanet 140162, MedGen C0027672, MeSH D009386, MONDO:0015356.
Bloom syndrome (BLM). Also called: Bloom-Torre-Machacek syndrome. Identifiers: Orphanet 125, MedGen C0005859, MONDO:0008876, OMIM 210900.

Submissions (2):

Labcorp Genetics (formerly Invitae), Labcorp
Classification: Pathogenic for Bloom syndrome. Last evaluated: 2025-09-16. Review status: criteria provided, single submitter. Criteria: Invitae Variant Classification Sherloc (09022015). Collection method: clinical testing. Allele origin: germline.
Comment: This sequence change creates a premature translational stop signal (p.Leu393Thrfs*25) in the BLM gene. It is expected to result in an absent or disrupted protein product. Loss-of-function variants in BLM are known to be pathogenic (PMID: 17407155). This variant is present in population databases (no rsID available, gnomAD 0.003%). This variant has not been reported in the literature in individuals affected with BLM-related conditions. ClinVar contains an entry for this variant (Variation ID: 1069515). For these reasons, this variant has been classified as Pathogenic.

Ambry Genetics
Classification: Pathogenic for Hereditary cancer-predisposing syndrome. Last evaluated: 2021-10-28. Review status: criteria provided, single submitter. Criteria: Ambry Variant Classification Scheme 2023. Collection method: clinical testing. Allele origin: germline.
Comment: The c.1176dupA pathogenic mutation, located in coding exon 5 of the BLM gene, results from a duplication of A at nucleotide position 1176, causing a translational frameshift with a predicted alternate stop codon (p.L393Tfs*25). This variant is considered to be rare based on population cohorts in the Genome Aggregation Database (gnomAD). This alteration is expected to result in loss of function by premature protein truncation or nonsense-mediated mRNA decay. As such, this alteration is interpreted as a disease-causing mutation.

Literature cited by the submitters: PubMed 17407155 (cited by Labcorp Genetics (formerly Invitae), Labcorp).